The following is an entry in ClinVar:

NM_000089.4(COL1A2):c.581C>T (p.Ala194Val)

Gene: COL1A2 (collagen type I alpha 2 chain; plus strand). Cytogenetic location: 7q21.3.
Variant type: single nucleotide variant.
Coding change: c.581C>T on transcript NM_000089.4 (MANE Select); coding-DNA position 581, C replaced by T.
Protein change: p.Ala194Val; replaces alanine 194 with valine.
Molecular consequence: missense variant.
Genome position (GRCh38, 1-based): chr7:94,406,290, C>T. VCF-style: chr7-94406290-C-T. GRCh37 (hg19) VCF-style: chr7-94035602-C-T.
Other names: short protein forms A194V.
Identifiers: ClinVar variation 1719937 (VCV001719937.6), dbSNP rs2484702798, ClinGen allele CA368220088.
Genomic context (GRCh38, chr7:94,406,290, plus strand): 5'-TAATAAGGCTTTCCTTTCAGGGACACAATGGTCTGGATGGATTGAAGGGACAGCCCGGTG[C>T]TCCTGGTGTGAAGGTAAATATTAAATTAGAAGCACTGTTTTTAAGCACTTGATTGAAATT-3'
Protein context (NP_000080.2, residues 184-204): GLDGLKGQPG[Ala194Val]PGVKGEPGAP

ClinVar aggregate classification (germline): Uncertain significance (1 of 4 stars; one submission).

Conditions:
Ehlers-Danlos syndrome, classic type, 1 (EDSCL1). Also called: EDS I; Ehlers-Danlos syndrome, type 1; EHLERS-DANLOS SYNDROME, GRAVIS TYPE; EHLERS-DANLOS SYNDROME, SEVERE CLASSIC TYPE; Ehlers-Danlos Syndrome, Classic Type, COL5A1-Related. Identifiers: MedGen C0268335, MONDO:0019567, OMIM 130000.
Osteogenesis imperfecta type I (OI1). Also called: Osteogenesis imperfecta type 1; Lobstein's Disease; OI, TYPE I; OSTEOGENESIS IMPERFECTA TARDA; OSTEOGENESIS IMPERFECTA WITH BLUE SCLERAE; Lobstein disease. Identifiers: Orphanet 216796, Orphanet 666, MedGen C0023931, MONDO:0008146, OMIM 166200. Disease mechanism: loss of function.

Submission:

Labcorp Genetics (formerly Invitae), Labcorp
Classification: Uncertain significance for Osteogenesis imperfecta type I; Ehlers-Danlos syndrome, classic type, 1. Last evaluated: 2025-04-22. Review status: criteria provided, single submitter. Criteria: Invitae Variant Classification Sherloc (09022015). Collection method: clinical testing. Allele origin: germline.
Comment: This sequence change replaces alanine, which is neutral and non-polar, with valine, which is neutral and non-polar, at codon 194 of the COL1A2 protein (p.Ala194Val). This variant is not present in population databases (gnomAD no frequency). This variant has not been reported in the literature in individuals affected with COL1A2-related conditions. ClinVar contains an entry for this variant (Variation ID: 1719937). Invitae Evidence Modeling of protein sequence and biophysical properties (such as structural, functional, and spatial information, amino acid conservation, physicochemical variation, residue mobility, and thermodynamic stability) indicates that this missense variant is not expected to disrupt COL1A2 protein function with a negative predictive value of 95%. In summary, the available evidence is currently insufficient to determine the role of this variant in disease. Therefore, it has been classified as a Variant of Uncertain Significance.